The following is an entry in ClinVar:

ClinVar aggregate classification (germline): Benign/Likely benign. Review status: criteria provided, multiple submitters, no conflicts (2 of 4 stars). 3 submissions from 3 submitters: Benign (1); Likely benign (2). Last evaluated 2026-01-26.

Conditions:
ANO5-Related Muscle Diseases. Identifiers: MedGen CN180644.
Gnathodiaphyseal dysplasia (GDD). Also called: GNATHODIAPHYSEAL SCLEROSIS; OSTEOGENESIS IMPERFECTA WITH UNUSUAL SKELETAL LESIONS. Identifiers: Orphanet 53697, MedGen C1833736, MONDO:0008151, OMIM 166260.
Autosomal recessive limb-girdle muscular dystrophy type 2L (LGMDR12). Also called: Limb-Girdle Muscular Dystrophy R12 Anoctamin-5-Related (LGMD-R12); Limb-girdle muscular dystrophy, type 2L; MUSCULAR DYSTROPHY, LIMB-GIRDLE, AUTOSOMAL RECESSIVE 12. Identifiers: Orphanet 206549, MedGen C1969785, MONDO:0012652, OMIM 611307.

Allele frequency attached by ClinVar (database versions not stated): gnomAD exomes 0.00020; TOPMed 0.00035; 1000 Genomes Project 30x 0.00203; 1000 Genomes Project 0.00220.
gnomAD v4.1: 326 of 1,611,236 alleles (0.02%); highest among the groups gnomAD compares: East Asian, 0.69%; 2 homozygotes.

Submissions (3):

Labcorp Genetics (formerly Invitae), Labcorp
Classification: Benign for Autosomal recessive limb-girdle muscular dystrophy type 2L; Gnathodiaphyseal dysplasia. Last evaluated: 2026-01-26. Review status: criteria provided, single submitter. Criteria: Invitae Variant Classification Sherloc (09022015). Collection method: clinical testing. Allele origin: germline.

Blueprint Genetics
Classification: Likely benign. Last evaluated: 2024-06-26. Review status: criteria provided, single submitter. Criteria: ACMG Guidelines, 2015. Collection method: clinical testing. Allele origin: germline.

Illumina Laboratory Services, Illumina
Classification: Likely benign for ANO5-Related Muscle Diseases. Last evaluated: 2018-01-12. Review status: criteria provided, single submitter. Criteria: ICSL Variant Classification Criteria 13 December 2019. Collection method: clinical testing. Allele origin: germline.
Comment: This variant was observed in the ICSL laboratory as part of a predisposition screen in an ostensibly healthy population. It had not been previously curated by ICSL or reported in the Human Gene Mutation Database (HGMD: prior to June 1st, 2018), and was therefore a candidate for classification through an automated scoring system. Utilizing variant allele frequency, disease prevalence and penetrance estimates, and inheritance mode, an automated score was calculated to assess if this variant is too frequent to cause the disease. Based on the score and internal cut-off values, a variant classified as likely benign is not then subjected to further curation. The score for this variant resulted in a classification of likely benign for this disease.

NM_213599.3(ANO5):c.138+10G>A

Gene: ANO5 (anoctamin 5; plus strand). Cytogenetic location: 11p14.3.
Variant type: single nucleotide variant.
Coding change: c.138+10G>A on transcript NM_213599.3 (MANE Select); 10 bases into the intron after coding-DNA position 138, G replaced by A.
Molecular consequence: intron variant.
Genome position (GRCh38, 1-based): chr11:22,211,324, G>A. VCF-style: chr11-22211324-G-A. GRCh37 (hg19) VCF-style: chr11-22232870-G-A.
Other names: c.135+10G>A (NM_001142649.2).
Identifiers: ClinVar variation 304098 (VCV000304098.17), dbSNP rs78987921, ClinGen allele CA5922792.